The following is an entry in ClinVar:

NM_181882.3(PRX):c.2385G>A (p.Met795Ile)

Gene: PRX (periaxin; minus strand). Cytogenetic location: 19q13.2.
Variant type: single nucleotide variant.
Coding change: c.2385G>A on transcript NM_181882.3 (MANE Select); coding-DNA position 2385, G replaced by A.
Protein change: p.Met795Ile; replaces methionine 795 with isoleucine.
Molecular consequence: missense variant. On other transcripts: 3 prime UTR variant (1).
Genome position (GRCh38, 1-based): chr19:40,395,967, C>T on the plus strand (G>A on the coding strand, the complement: PRX is on the minus strand). VCF-style: chr19-40395967-C-T. GRCh37 (hg19) VCF-style: chr19-40901874-C-T.
Other names: c.*2590G>A (NM_020956.2); short protein forms M795I.
Identifiers: ClinVar variation 1410900 (VCV001410900.6), dbSNP rs929097201, ClinGen allele CA308418338.

ClinVar aggregate classification (germline): Uncertain significance (1 of 4 stars; one submission).

Conditions:
Charcot-Marie-Tooth disease type 4. Also called: Charcot-Marie-Tooth, Type 4; Charcot-Marie-Tooth disease, type IV. Identifiers: Orphanet 64749, MedGen C4082197, MONDO:0018995.

Allele frequency attached by ClinVar (database versions not stated): gnomAD exomes below 0.00001; gnomAD 0.00002; TOPMed 0.00002.
gnomAD v4.1: 7 of 1,614,114 alleles (0.00043%); highest among the groups gnomAD compares: African/African-American, 0.0027%; no homozygotes.

Submission:

Labcorp Genetics (formerly Invitae), Labcorp
Classification: Uncertain significance for Charcot-Marie-Tooth disease type 4. Last evaluated: 2022-06-14. Review status: criteria provided, single submitter. Criteria: Invitae Variant Classification Sherloc (09022015). Collection method: clinical testing. Allele origin: germline.
Comment: This sequence change replaces methionine, which is neutral and non-polar, with isoleucine, which is neutral and non-polar, at codon 795 of the PRX protein (p.Met795Ile). This variant is not present in population databases (gnomAD no frequency). This variant has not been reported in the literature in individuals affected with PRX-related conditions. Algorithms developed to predict the effect of missense changes on protein structure and function (SIFT, PolyPhen-2, Align-GVGD) all suggest that this variant is likely to be tolerated. In summary, the available evidence is currently insufficient to determine the role of this variant in disease. Therefore, it has been classified as a Variant of Uncertain Significance.